The following is an entry in ClinVar:

ClinVar aggregate classification (germline): Uncertain significance (1 of 4 stars; one submission).

Conditions:
Inflammatory bowel disease 25. Also called: Inflammatory bowel disease 25, early onset, autosomal recessive. Identifiers: Orphanet 238569, MedGen C2675508, MONDO:0012941, OMIM 612567.

Allele frequency attached by ClinVar (database versions not stated): gnomAD exomes below 0.00001; TOPMed below 0.00001; ExAC 0.00001; gnomAD 0.00001.
gnomAD v4.1: 6 of 1,613,118 alleles (0.00037%); highest among the groups gnomAD compares: Middle Eastern, 0.05%; no homozygotes.

Submission:

Labcorp Genetics (formerly Invitae), Labcorp
Classification: Uncertain significance for Inflammatory bowel disease 25. Last evaluated: 2022-10-05. Review status: criteria provided, single submitter. Criteria: Invitae Variant Classification Sherloc (09022015). Collection method: clinical testing. Allele origin: germline.
Comment: In summary, the available evidence is currently insufficient to determine the role of this variant in disease. Therefore, it has been classified as a Variant of Uncertain Significance. Algorithms developed to predict the effect of sequence changes on RNA splicing suggest that this variant may disrupt the consensus splice site. Algorithms developed to predict the effect of missense changes on protein structure and function are either unavailable or do not agree on the potential impact of this missense change (SIFT: "Tolerated"; PolyPhen-2: "Probably Damaging"; Align-GVGD: "Class C0"). ClinVar contains an entry for this variant (Variation ID: 652666). This variant has not been reported in the literature in individuals affected with IL10RB-related conditions. This variant is present in population databases (rs769595310, gnomAD no frequency). This sequence change replaces threonine, which is neutral and polar, with serine, which is neutral and polar, at codon 111 of the IL10RB protein (p.Thr111Ser).

NM_000628.5(IL10RB):c.332C>G (p.Thr111Ser)

Genes: IL10RB (interleukin 10 receptor subunit beta; plus strand), IFNAR2-IL10RB (IFNAR2-IL10RB readthrough; plus strand). Cytogenetic location: 21q22.11.
Variant type: single nucleotide variant.
Coding change: c.332C>G on transcript NM_000628.5 (MANE Select); coding-DNA position 332, C replaced by G.
Protein change: p.Thr111Ser; replaces threonine 111 with serine.
Molecular consequence: missense variant.
Genome position (GRCh38, 1-based): chr21:33,279,752, C>G. VCF-style: chr21-33279752-C-G. GRCh37 (hg19) VCF-style: chr21-34652057-C-G.
Other names: short protein forms T111S.
Identifiers: ClinVar variation 652666 (VCV000652666.7), dbSNP rs769595310, ClinGen allele CA10006126.